The following is an entry in ClinVar:

NM_003126.4(SPTA1):c.326C>T (p.Ser109Phe)

Gene: SPTA1 (spectrin alpha, erythrocytic 1; minus strand). Cytogenetic location: 1q23.1.
Variant type: single nucleotide variant.
Coding change: c.326C>T on transcript NM_003126.4 (MANE Select); coding-DNA position 326, C replaced by T.
Protein change: p.Ser109Phe; replaces serine 109 with phenylalanine.
Molecular consequence: missense variant.
Genome position (GRCh38, 1-based): chr1:158,683,435, G>A on the plus strand (C>T on the coding strand, the complement: SPTA1 is on the minus strand). VCF-style: chr1-158683435-G-A. GRCh37 (hg19) VCF-style: chr1-158653225-G-A.
Other names: short protein forms S109F.
Identifiers: ClinVar variation 875125 (VCV000875125.14), dbSNP rs3737521, ClinGen allele CA1184197.

ClinVar aggregate classification (germline): Conflicting classifications of pathogenicity. Review status: criteria provided, conflicting classifications (1 of 4 stars). 6 submissions from 4 submitters: Uncertain significance (4); Benign (1); Likely benign (1). Last evaluated 2025-11-16.

Conditions:
Hereditary spherocytosis type 3. Also called: SPTA1-Related Spherocytosis; Spherocytosis type 3. Identifiers: Orphanet 822, MedGen C2678338, MONDO:0010053, OMIM 270970.
Elliptocytosis 2 (EL2). Also called: ELLIPTOCYTOSIS, RHESUS-UNLINKED TYPE. Identifiers: Orphanet 288, MedGen C1851741, MONDO:0007533, OMIM 130600.
Pyropoikilocytosis, hereditary. Also called: Pyropoikilocytosis. Identifiers: MedGen C0520739, MONDO:0009948, OMIM 266140, HP:0004839. Disease mechanism: loss of function.

Allele frequency attached by ClinVar (database versions not stated): gnomAD 0.00004 and 0.00008; TOPMed 0.00009; gnomAD exomes 0.00014 and 0.00024; ExAC 0.00026; 1000 Genomes Project 30x 0.00062; 1000 Genomes Project 0.00080.
gnomAD v4.1: 217 of 1,613,392 alleles (0.013%); highest among the groups gnomAD compares: East Asian, 0.47%; 1 homozygote.

Submissions (6):

Labcorp Genetics (formerly Invitae), Labcorp
Classification: Benign. Last evaluated: 2025-11-16. Review status: criteria provided, single submitter. Criteria: Invitae Variant Classification Sherloc (09022015). Collection method: clinical testing. Allele origin: germline.

Revvity Omics, Revvity
Classification: Uncertain significance. Last evaluated: 2022-08-29. Review status: criteria provided, single submitter. Criteria: ACMG Guidelines, 2015. Collection method: clinical testing. Allele origin: germline.

ARUP Laboratories, Molecular Genetics and Genomics, ARUP Laboratories
Classification: Uncertain significance. Last evaluated: 2019-10-02. Review status: criteria provided, single submitter. Criteria: ARUP Molecular Germline Variant Investigation Process. Collection method: clinical testing. Allele origin: germline.

Illumina Laboratory Services, Illumina
Classification: Uncertain significance for Pyropoikilocytosis, hereditary. Last evaluated: 2017-04-27. Review status: criteria provided, single submitter. Criteria: ICSL Variant Classification Criteria 13 December 2019. Collection method: clinical testing. Allele origin: germline.

Illumina Laboratory Services, Illumina
Classification: Likely benign for Elliptocytosis 2. Last evaluated: 2017-04-27. Review status: criteria provided, single submitter. Criteria: ICSL Variant Classification Criteria 13 December 2019. Collection method: clinical testing. Allele origin: germline.
Comment: This variant was observed as part of a predisposition screen in an ostensibly healthy population. A literature search was performed for the gene, cDNA change, and amino acid change (where applicable). No publications were found based on this search. Allele frequency data from public databases allowed determination this variant is unlikely to cause disease. Therefore, this variant is classified as likely benign.

Illumina Laboratory Services, Illumina
Classification: Uncertain significance for Hereditary spherocytosis type 3. Last evaluated: 2017-04-27. Review status: criteria provided, single submitter. Criteria: ICSL Variant Classification Criteria 13 December 2019. Collection method: clinical testing. Allele origin: germline.